The following is an entry in ClinVar:

ClinVar aggregate classification (germline): Likely benign (1 of 4 stars; one submission).

Allele frequency attached by ClinVar (database versions not stated): ESP Exome Variant Server 0.00358; ExAC 0.00370; 1000 Genomes Project 30x 0.00406; gnomAD 0.00408; TOPMed 0.00425; 1000 Genomes Project 0.00459.
gnomAD v4.1: 7,221 of 1,614,168 alleles (0.45%); highest among the groups gnomAD compares: Admixed American, 0.67%; 23 homozygotes.

Submission:

CeGaT Center for Human Genetics Tuebingen
Classification: Likely benign. Last evaluated: 2025-06-01. Review status: criteria provided, single submitter. Criteria: CeGaT Center For Human Genetics Tuebingen Variant Classification Criteria Version 2. Collection method: clinical testing. Allele origin: germline. Affected: yes. Observed: 2 variant alleles.
Comment: MAPK4: BP4, BP7, BS2

NM_002747.4(MAPK4):c.183C>T (p.His61=)

Gene: MAPK4 (mitogen-activated protein kinase 4; plus strand). Cytogenetic location: 18q21.1.
Variant type: single nucleotide variant.
Coding change: c.183C>T on transcript NM_002747.4 (MANE Select); coding-DNA position 183, C replaced by T.
Protein change: p.His61=; no amino-acid change (histidine 61 retained).
Molecular consequence: synonymous variant. On other transcripts: intron variant (1).
Genome position (GRCh38, 1-based): chr18:50,664,141, C>T. VCF-style: chr18-50664141-C-T. GRCh37 (hg19) VCF-style: chr18-48190511-C-T.
Other names: c.183C>T, p.His61= (NM_001292040.2); c.-87-50938C>T (NM_001292039.2).
Identifiers: ClinVar variation 2648718 (VCV002648718.24), dbSNP rs55800528, ClinGen allele CA8964261.